The following is an entry in ClinVar:

NM_207122.2(EXT2):c.441del (p.Asn148fs)

Gene: EXT2 (exostosin glycosyltransferase 2; plus strand). Cytogenetic location: 11p11.2.
Variant type: Deletion.
Coding change: c.441del on transcript NM_207122.2 (MANE Select); coding-DNA position 441, one base deleted (C; older notation c.441delC).
Protein change: p.Asn148fs; shifts the reading frame from asparagine 148.
Molecular consequence: frameshift variant.
Genome position (GRCh38, 1-based): chr11:44,108,153, C deleted. VCF-style (leftmost placement, unchanged base first): chr11-44108152-TC-T. GRCh37 (hg19) VCF-style: chr11-44129702-TC-T.
Other names: c.540del, p.Asn181fs (NM_000401.3); c.441del, p.Asn148fs (NM_001178083.3, NM_001389628.1, NM_001389630.1); short protein forms N181fs, N148fs.
Identifiers: ClinVar variation 4718533 (VCV004718533.1).

ClinVar aggregate classification (germline): Pathogenic (1 of 4 stars; one submission).

Conditions:
Exostoses, multiple, type 2 (EXT2). Also called: Hereditary Multiple Osteochondromatosis, Type II; EXOSTOSES, MULTIPLE, TYPE II. Identifiers: Orphanet 321, MedGen C1851413, MONDO:0007586, OMIM 133701.

Submission:

Labcorp Genetics (formerly Invitae), Labcorp
Classification: Pathogenic for Exostoses, multiple, type 2. Last evaluated: 2025-04-28. Review status: criteria provided, single submitter. Criteria: Invitae Variant Classification Sherloc (09022015). Collection method: clinical testing. Allele origin: germline.
Comment: This sequence change creates a premature translational stop signal (p.Asn148Thrfs*122) in the EXT2 gene. It is expected to result in an absent or disrupted protein product. Loss-of-function variants in EXT2 are known to be pathogenic (PMID: 10679937, 19810120). This variant is not present in population databases (gnomAD no frequency). This variant has not been reported in the literature in individuals affected with EXT2-related conditions. Algorithms developed to predict the effect of sequence changes on RNA splicing suggest that this variant may disrupt the consensus splice site. For these reasons, this variant has been classified as Pathogenic.

Literature cited by the submitters: PubMed 10679937; PubMed 19810120.